The following is an entry in ClinVar:

ClinVar aggregate classification (germline): Likely pathogenic (3 of 4 stars; one submission).

Conditions:
Phenylketonuria (PKU). Also called: OLIGOPHRENIA PHENYLPYRUVICA; Phenylketonurias; Phenylketonuria (PKU); FOLLING DISEASE. Identifiers: Orphanet 716, MedGen C0031485, MONDO:0009861, OMIM 261600. Disease mechanism: loss of function.

Submission:

ClinGen PAH Variant Curation Expert Panel
Classification: Likely pathogenic for Phenylketonuria. Last evaluated: 2020-05-09. Review status: reviewed by expert panel. Criteria: ClinGen PAH ACMG Specifications v1. Collection method: curation. Allele origin: germline. Inheritance: Autosomal recessive inheritance.
Comment: This variant is absent in population databases (PM2). This variant was detected in trans with c.1066-11G>A (Pathogenic in ClinVar) (PM3, PMID: 21890392). This variant is prediction to be deleterious by SIFT, PolyPhen, and MutationTaster, and REVEL = 0.932 (PP3). In summary, this variant meets criteria to be classified as likely pathogenic for PAH. PAH-specific ACMG/AMP criteria applied: PM2, PM3, PP3, PP4_Moderate.

Literature cited by the submitters: PubMed 21890392.

NM_000277.3(PAH):c.1129T>G (p.Tyr377Asp)

Gene: PAH (phenylalanine hydroxylase; minus strand). Cytogenetic location: 12q23.2.
Variant type: single nucleotide variant.
Coding change: c.1129T>G on transcript NM_000277.3 (MANE Select); coding-DNA position 1129, T replaced by G.
Protein change: p.Tyr377Asp; replaces tyrosine 377 with aspartic acid.
Molecular consequence: missense variant.
Genome position (GRCh38, 1-based): chr12:102,843,716, A>C on the plus strand (T>G on the coding strand, the complement: PAH is on the minus strand). VCF-style: chr12-102843716-A-C. GRCh37 (hg19) VCF-style: chr12-103237494-A-C.
Other names: c.1129T>G, p.Tyr377Asp (NM_001354304.2); short protein forms Y377D.
Identifiers: ClinVar variation 932278 (VCV000932278.1), dbSNP rs1874693635, ClinGen allele CA16020946.